The following is an entry in ClinVar:

ClinVar aggregate classification (germline): Likely benign. Review status: criteria provided, multiple submitters, no conflicts (2 of 4 stars). 2 submissions from 2 submitters: Likely benign (2). Last evaluated 2025-11-04.

Conditions:
EPHA2-related disorder. Also called: EPHA2-related condition.
Cataract 6 multiple types. Also called: CATARACT, AGE-RELATED CORTICAL, 2; CATARACT 6, POSTERIOR POLAR; CATARACT 6, CONGENITAL TOTAL. Identifiers: Orphanet 91492, MedGen C1861825, MONDO:0007288, OMIM 116600.

Allele frequency attached by ClinVar (database versions not stated): gnomAD 0.00003 and 0.00004; TOPMed 0.00003; gnomAD exomes 0.00004 and 0.00020; ExAC 0.00005; ESP Exome Variant Server 0.00015.
gnomAD v4.1: 282 of 1,613,748 alleles (0.017%); highest among the groups gnomAD compares: Non-Finnish European, 0.023%; no homozygotes.

Submissions (2):

PreventionGenetics, part of Exact Sciences
Classification: Likely benign for EPHA2-related condition. Last evaluated: 2025-11-04. Review status: criteria provided, single submitter. Criteria: ACMG Guidelines, 2015. Collection method: clinical testing. Allele origin: germline.
Comment: This variant is classified as likely benign based on ACMG/AMP sequence variant interpretation guidelines (Richards et al. 2015 PMID: 25741868, with internal and published modifications).

Illumina Laboratory Services, Illumina
Classification: Likely benign for Cataract 6 multiple types. Last evaluated: 2018-01-13. Review status: criteria provided, single submitter. Criteria: ICSL Variant Classification Criteria 13 December 2019. Collection method: clinical testing. Allele origin: germline.
Comment: This variant was observed in the ICSL laboratory as part of a predisposition screen in an ostensibly healthy population. It had not been previously curated by ICSL or reported in the Human Gene Mutation Database (HGMD: prior to June 1st, 2018), and was therefore a candidate for classification through an automated scoring system. Utilizing variant allele frequency, disease prevalence and penetrance estimates, and inheritance mode, an automated score was calculated to assess if this variant is too frequent to cause the disease. Based on the score and internal cut-off values, a variant classified as likely benign is not then subjected to further curation. The score for this variant resulted in a classification of likely benign for this disease.

NM_004431.5(EPHA2):c.717G>A (p.Gly239=)

Gene: EPHA2 (EPH receptor A2; minus strand). Cytogenetic location: 1p36.13.
Variant type: single nucleotide variant.
Coding change: c.717G>A on transcript NM_004431.5 (MANE Select); coding-DNA position 717, G replaced by A.
Protein change: p.Gly239=; no amino-acid change (glycine 239 retained).
Molecular consequence: synonymous variant.
Genome position (GRCh38, 1-based): chr1:16,148,484, C>T on the plus strand (G>A on the coding strand, the complement: EPHA2 is on the minus strand). VCF-style: chr1-16148484-C-T. GRCh37 (hg19) VCF-style: chr1-16474979-C-T.
Other names: c.555G>A, p.Gly185= (NM_001329090.2); c.717G>A (NM_004431.4).
Identifiers: ClinVar variation 876789 (VCV000876789.5), dbSNP rs377158184, ClinGen allele CA625450.
Genomic context (GRCh38, chr1:16,148,484, plus strand): 5'-CTGCCCAATGGGCACCAGCCACTCGCCATCCACTGCACAGTGCATACGGGGCTCTTCACC[C>T]CCCGGTGGCACCACGGCATGGTCCACACAGGTGCCGGCCACAGTGGCCAGGGAAGGTGCA-3'
Protein context (NP_004422.2, residues 229-249): TCVDHAVVPP[Gly239=]GEEPRMHCAV